The following is an entry in ClinVar:

ClinVar aggregate classification (germline): Likely benign. Review status: criteria provided, single submitter (1 of 4 stars). 2 submissions from 2 submitters: Likely benign (1). 1 of the submissions does not count toward it. Last evaluated 2025-10-28.

Conditions:
UDPglucose-4-epimerase deficiency. Also called: UDP-GALACTOSE-4-EPIMERASE DEFICIENCY; Galactose epimerase deficiency; UDPglucose 4-Epimerase Deficiency Disease; Epimerase Deficiency Galactosemia; GALACTOSEMIA III; GALE DEFICIENCY. Identifiers: Orphanet 352, Orphanet 79238, MedGen C0751161, MONDO:0009257, OMIM 230350.
GALE-related disorder. Also called: GALE-related condition.

Allele frequency attached by ClinVar (database versions not stated): gnomAD 0.00026; TOPMed 0.00031; ESP Exome Variant Server 0.00038.
gnomAD v4.1: 90 of 1,613,164 alleles (0.0056%); highest among the groups gnomAD compares: African/African-American, 0.1%; no homozygotes.

Submissions (2):

Labcorp Genetics (formerly Invitae), Labcorp
Classification: Likely benign for UDPglucose-4-epimerase deficiency. Last evaluated: 2025-10-28. Review status: criteria provided, single submitter. Criteria: Invitae Variant Classification Sherloc (09022015). Collection method: clinical testing. Allele origin: germline.

PreventionGenetics, part of Exact Sciences
Classification: Likely benign for GALE-related condition. Last evaluated: 2019-08-06. Review status: no assertion criteria provided. Collection method: clinical testing. Allele origin: germline. Not counted in ClinVar's aggregate classification.
Comment: This variant is classified as likely benign based on ACMG/AMP sequence variant interpretation guidelines (Richards et al. 2015 PMID: 25741868, with internal and published modifications).

NM_001008216.2(GALE):c.651C>T (p.Ile217=)

Gene: GALE (UDP-galactose-4-epimerase; minus strand). Cytogenetic location: 1p36.11.
Variant type: single nucleotide variant.
Coding change: c.651C>T on transcript NM_001008216.2 (MANE Select); coding-DNA position 651, C replaced by T.
Protein change: p.Ile217=; no amino-acid change (isoleucine 217 retained).
Molecular consequence: synonymous variant.
Genome position (GRCh38, 1-based): chr1:23,796,934, G>A on the plus strand (C>T on the coding strand, the complement: GALE is on the minus strand). VCF-style: chr1-23796934-G-A. GRCh37 (hg19) VCF-style: chr1-24123424-G-A.
Other names: c.651C>T (NM_000403.3); c.651C>T, p.Ile217= (NM_000403.4, NM_001127621.2).
Identifiers: ClinVar variation 2061479 (VCV002061479.6), dbSNP rs138716401, ClinGen allele CA685585.
Genomic context (GRCh38, chr1:23,796,934, plus strand): 5'-ACCTGTGCCATCCTCTGTGTCATAGTCATTGCCAAAGACATTCAGGGCCTCCCGTCGCCC[G>A]ATCGCCACCTGGAGGTGGAGATCAGGTCAGTTCGTCCCAGATCCCAGGCACCAGCTTTAA-3'
Protein context (NP_001008217.1, residues 207-227): NLMPYVSQVA[Ile217=]GRREALNVFG